The following is an entry in ClinVar:

ClinVar aggregate classification (germline): Uncertain significance. Review status: criteria provided, multiple submitters, no conflicts (2 of 4 stars). 2 submissions from 2 submitters: Uncertain significance (2). Last evaluated 2025-12-03.

Conditions:
Immunodeficiency 39 (IMD39). Identifiers: Orphanet 574918, MedGen C4225358, MONDO:0014597, OMIM 616345.

Allele frequency attached by ClinVar (database versions not stated): gnomAD exomes 0.00003 and 0.00007; gnomAD 0.00004; TOPMed 0.00006; ExAC 0.00010; 1000 Genomes Project 30x 0.00031.
gnomAD v4.1: 20 of 1,570,906 alleles (0.0013%); highest among the groups gnomAD compares: Admixed American, 0.036%; no homozygotes.

Submissions (2):

Labcorp Genetics (formerly Invitae), Labcorp
Classification: Uncertain significance for Immunodeficiency 39. Last evaluated: 2025-12-03. Review status: criteria provided, single submitter. Criteria: Invitae Variant Classification Sherloc (09022015). Collection method: clinical testing. Allele origin: germline.
Comment: This sequence change replaces alanine, which is neutral and non-polar, with serine, which is neutral and polar, at codon 96 of the IRF7 protein (p.Ala96Ser). This variant is present in population databases (rs759798143, gnomAD 0.05%). This variant has not been reported in the literature in individuals affected with IRF7-related conditions. ClinVar contains an entry for this variant (Variation ID: 1058922). An algorithm developed to predict the effect of missense changes on protein structure and function outputs the following: PolyPhen-2: "Benign". The serine amino acid residue is found in multiple mammalian species, which suggests that this missense change does not adversely affect protein function. In summary, the available evidence is currently insufficient to determine the role of this variant in disease. Therefore, it has been classified as a Variant of Uncertain Significance.

Ambry Genetics
Classification: Uncertain significance. Last evaluated: 2025-08-24. Review status: criteria provided, single submitter. Criteria: Ambry Variant Classification Scheme 2023. Collection method: clinical testing. Allele origin: germline.

NM_001572.5(IRF7):c.247G>T (p.Ala83Ser)

Gene: IRF7 (interferon regulatory factor 7; minus strand). Cytogenetic location: 11p15.5.
Variant type: single nucleotide variant.
Coding change: c.247G>T on transcript NM_001572.5 (MANE Select); coding-DNA position 247, G replaced by T.
Protein change: p.Ala83Ser; replaces alanine 83 with serine.
Molecular consequence: missense variant.
Genome position (GRCh38, 1-based): chr11:614,944, C>A on the plus strand (G>T on the coding strand, the complement: IRF7 is on the minus strand). VCF-style: chr11-614944-C-A. GRCh37 (hg19) VCF-style: chr11-614944-C-A.
Other names: c.247G>T, p.Ala83Ser (NM_004029.4); c.286G>T, p.Ala96Ser (NM_004031.4); c.286G>T (NM_004031.2); short protein forms A83S, A96S.
Identifiers: ClinVar variation 1058922 (VCV001058922.11), dbSNP rs759798143, ClinGen allele CA5784025.